The following is an entry in ClinVar:

NM_005050.4(ABCD4):c.463C>T (p.Arg155Trp)

Gene: ABCD4 (ATP binding cassette subfamily D member 4; minus strand). Cytogenetic location: 14q24.3.
Variant type: single nucleotide variant.
Coding change: c.463C>T on transcript NM_005050.4 (MANE Select); coding-DNA position 463, C replaced by T.
Protein change: p.Arg155Trp; replaces arginine 155 with tryptophan.
Molecular consequence: missense variant. On other transcripts: synonymous variant (3), 5 prime UTR variant (14), non-coding transcript variant (10).
Genome position (GRCh38, 1-based): chr14:74,296,412, G>A on the plus strand (C>T on the coding strand, the complement: ABCD4 is on the minus strand). VCF-style: chr14-74296412-G-A. GRCh37 (hg19) VCF-style: chr14-74763115-G-A.
Other names: c.463C>T, p.Arg155Trp (NM_001353591.2, NM_001353592.2, NM_020325.3); c.202C>T, p.Arg68Trp (NM_001353593.2, NM_001353594.2); c.54C>T, p.Ala18= (NM_001353595.2, NM_001353596.2, NM_001353597.2); c.-15C>T (NM_001353598.2, NM_001353599.2, NM_001353600.2 and 2 more transcripts); c.-227C>T (NM_001353602.2, NM_001353608.2); c.-232C>T (NM_001353603.2, NM_001353604.2, NM_001353605.2 and 4 more transcripts); short protein forms R68W, R155W.
Identifiers: ClinVar variation 1045799 (VCV001045799.7), dbSNP rs373322009, ClinGen allele CA7267206.

ClinVar aggregate classification (germline): Uncertain significance (1 of 4 stars; one submission).

Conditions:
Methylmalonic acidemia with homocystinuria, type cblJ (MAHCJ). Also called: METHYLMALONIC ACIDURIA AND HOMOCYSTINURIA, cblJ TYPE. Identifiers: Orphanet 369955, MedGen C3553915, MONDO:0013925, OMIM 614857.

Allele frequency attached by ClinVar (database versions not stated): gnomAD 0.00001 and 0.00003; ExAC 0.00003; gnomAD exomes 0.00003 and 0.00006; TOPMed 0.00005; ESP Exome Variant Server 0.00008.
gnomAD v4.1: 47 of 1,614,104 alleles (0.0029%); highest among the groups gnomAD compares: East Asian, 0.027%; no homozygotes.

Submission:

Labcorp Genetics (formerly Invitae), Labcorp
Classification: Uncertain significance for Methylmalonic acidemia with homocystinuria, type cblJ. Last evaluated: 2020-10-08. Review status: criteria provided, single submitter. Criteria: Invitae Variant Classification Sherloc (09022015). Collection method: clinical testing. Allele origin: germline.
Comment: Algorithms developed to predict the effect of missense changes on protein structure and function (SIFT, PolyPhen-2, Align-GVGD) all suggest that this variant is likely to be disruptive, but these predictions have not been confirmed by published functional studies and their clinical significance is uncertain. In summary, the available evidence is currently insufficient to determine the role of this variant in disease. Therefore, it has been classified as a Variant of Uncertain Significance. This variant has not been reported in the literature in individuals with ABCD4-related conditions. This variant is present in population databases (rs373322009, ExAC 0.01%). This sequence change replaces arginine with tryptophan at codon 155 of the ABCD4 protein (p.Arg155Trp). The arginine residue is highly conserved and there is a moderate physicochemical difference between arginine and tryptophan.